The following is an entry in ClinVar:

NM_005476.7(GNE):c.827T>G (p.Phe276Cys)

Gene: GNE (glucosamine (UDP-N-acetyl)-2-epimerase/N-acetylmannosamine kinase; minus strand). Cytogenetic location: 9p13.3.
Variant type: single nucleotide variant.
Coding change: c.827T>G on transcript NM_005476.7 (MANE Select); coding-DNA position 827, T replaced by G.
Protein change: p.Phe276Cys; replaces phenylalanine 276 with cysteine.
Molecular consequence: missense variant.
Genome position (GRCh38, 1-based): chr9:36,234,075, A>C on the plus strand (T>G on the coding strand, the complement: GNE is on the minus strand). VCF-style: chr9-36234075-A-C. GRCh37 (hg19) VCF-style: chr9-36234072-A-C.
Other names: c.920T>G (NM_001128227.2); c.920T>G, p.Phe307Cys (NM_001128227.3); c.827T>G, p.Phe276Cys (NM_001190383.3); c.497T>G, p.Phe166Cys (NM_001190384.3); c.650T>G, p.Phe217Cys (NM_001190388.2, NM_001374798.1); c.674T>G, p.Phe225Cys (NM_001374797.1); short protein forms F166C, F217C, F225C, F276C, F307C.
Identifiers: ClinVar variation 2675925 (VCV002675925.2), dbSNP rs2489717397, ClinGen allele CA373430786.

ClinVar aggregate classification (germline): Pathogenic/Likely pathogenic. Review status: criteria provided, multiple submitters, no conflicts (2 of 4 stars). 2 submissions from 2 submitters: Pathogenic (1); Likely pathogenic (1). Last evaluated 2025-06-24.

Conditions:
GNE myopathy (NM). Also called: INCLUSION BODY MYOPATHY, HEREDITARY, AUTOSOMAL RECESSIVE; NONAKA DISTAL MYOPATHY; INCLUSION BODY MYOPATHY 2, AUTOSOMAL RECESSIVE; IBM 2; Inclusion body myopathy autosomal recessive; Inclusion body myopathy quadriceps sparing. Identifiers: Orphanet 602, MedGen C1853926, MONDO:0011603, OMIM 605820.

Allele frequency attached by ClinVar (database versions not stated): gnomAD exomes below 0.00001.
gnomAD v4.1: 1 of 1,614,180 alleles (0.000062%); highest among the groups gnomAD compares: South Asian, 0.0011%; no homozygotes.

Submissions (2):

Women's Health and Genetics/Laboratory Corporation of America, LabCorp
Classification: Likely pathogenic for GNE myopathy. Last evaluated: 2025-06-24. Review status: criteria provided, single submitter. Criteria: LabCorp Variant Classification Summary - May 2015. Collection method: clinical testing. Allele origin: germline.
Comment: Variant summary: GNE c.920T>G (p.Phe307Cys) results in a non-conservative amino acid change in the encoded protein sequence. Algorithms developed to predict the effect of missense changes on protein structure and function all suggest that this variant is likely to be disruptive. The variant was absent in 251482 control chromosomes (gnomAD). c.920T>G has been observed in individuals affected with GNE myopathy (Khadilkar_2017, Chakravorty_2020). These data indicate that the variant is likely to be associated with disease. Publications report experimental evidence evaluating an impact on protein function, showing that the variant significantly alters GNE function (Yadav_IJBCB_2002, Yadav_JNS_2022, Oswalia_2024). The following publications have been ascertained in the context of this evaluation (PMID: 28320138, 33250842, 35777599, 35503500, 38852763). ClinVar contains an entry for this variant (Variation ID: 2675925). Based on the evidence outlined above, the variant was classified as likely pathogenic.

Baylor Genetics
Classification: Pathogenic for GNE myopathy. Last evaluated: 2023-02-16. Review status: criteria provided, single submitter. Criteria: ACMG Guidelines, 2015. Collection method: clinical testing. Allele origin: unknown.

Literature cited by the submitters: PubMed 33250842 (cited by Women's Health and Genetics/Laboratory Corporation of America, LabCorp); PubMed 28320138 (cited by Women's Health and Genetics/Laboratory Corporation of America, LabCorp); PubMed 38852763 (cited by Women's Health and Genetics/Laboratory Corporation of America, LabCorp); PubMed 35777599 (cited by Women's Health and Genetics/Laboratory Corporation of America, LabCorp); PubMed 35503500 (cited by Women's Health and Genetics/Laboratory Corporation of America, LabCorp).